The following is an entry in ClinVar:

ClinVar aggregate classification (germline): Uncertain significance. Review status: criteria provided, multiple submitters, no conflicts (2 of 4 stars). 2 submissions from 2 submitters: Uncertain significance (2). Last evaluated 2024-08-05.

Allele frequency attached by ClinVar (database versions not stated): gnomAD 0.00003; TOPMed 0.00007; ExAC 0.00009; gnomAD exomes 0.00020.
gnomAD v4.1: 240 of 1,337,556 alleles (0.018%); highest among the groups gnomAD compares: Non-Finnish European, 0.022%; no homozygotes.

Submissions (2):

Labcorp Genetics (formerly Invitae), Labcorp
Classification: Uncertain significance. Last evaluated: 2024-08-05. Review status: criteria provided, single submitter. Criteria: Invitae Variant Classification Sherloc (09022015). Collection method: clinical testing. Allele origin: germline.
Comment: This sequence change affects codon 1235 of the ERCC6L2 mRNA. It is a 'silent' change, meaning that it does not change the encoded amino acid sequence of the ERCC6L2 protein. This variant is present in population databases (rs753603569, gnomAD 0.02%). This variant has not been reported in the literature in individuals affected with ERCC6L2-related conditions. ClinVar contains an entry for this variant (Variation ID: 1897087). Algorithms developed to predict the effect of sequence changes on RNA splicing suggest that this variant may disrupt the consensus splice site. In summary, the available evidence is currently insufficient to determine the role of this variant in disease. Therefore, it has been classified as a Variant of Uncertain Significance.

Blueprint Genetics
Classification: Uncertain significance. Last evaluated: 2023-09-26. Review status: criteria provided, single submitter. Criteria: ACMG Guidelines, 2015. Collection method: clinical testing. Allele origin: germline.

NM_020207.7(ERCC6L2):c.3672C>T (p.Arg1224=)

Gene: ERCC6L2 (ERCC excision repair 6 like 2; plus strand). Cytogenetic location: 9q22.32.
Variant type: single nucleotide variant.
Coding change: c.3672C>T on transcript NM_020207.7 (MANE Select); coding-DNA position 3672, C replaced by T.
Protein change: p.Arg1224=; no amino-acid change (arginine 1224 retained).
Molecular consequence: synonymous variant. On other transcripts: non-coding transcript variant (1).
Genome position (GRCh38, 1-based): chr9:96,004,699, C>T. VCF-style: chr9-96004699-C-T. GRCh37 (hg19) VCF-style: chr9-98766981-C-T.
Other names: c.3672C>T, p.Arg1224= (NM_001375291.1, NM_001375292.1).
Identifiers: ClinVar variation 1897087 (VCV001897087.5), dbSNP rs753603569, ClinGen allele CA5139968.